The following is an entry in ClinVar:

NM_001961.4(EEF2):c.2204C>T (p.Thr735Ile)

Genes: EEF2 (eukaryotic translation elongation factor 2; minus strand), LOC130063169 (ATAC-STARR-seq lymphoblastoid active region 13746; plus strand). Cytogenetic location: 19p13.3.
Variant type: single nucleotide variant.
Coding change: c.2204C>T on transcript NM_001961.4 (MANE Select); coding-DNA position 2204, C replaced by T.
Protein change: p.Thr735Ile; replaces threonine 735 with isoleucine.
Molecular consequence: missense variant.
Genome position (GRCh38, 1-based): chr19:3,977,474, G>A on the plus strand (C>T on the coding strand, the complement: EEF2 is on the minus strand). VCF-style: chr19-3977474-G-A. GRCh37 (hg19) VCF-style: chr19-3977472-G-A.
Other names: short protein forms T735I.
Identifiers: ClinVar variation 3363327 (VCV003363327.1).

ClinVar aggregate classification (germline): Uncertain significance (1 of 4 stars; one submission).

gnomAD v4.1: 1 of 1,585,126 alleles (0.000063%); highest among the groups gnomAD compares: South Asian, 0.0011%; no homozygotes.

Submission:

GeneDx
Classification: Uncertain significance. Last evaluated: 2023-10-19. Review status: criteria provided, single submitter. Criteria: GeneDx Variant Classification Process June 2021. Collection method: clinical testing. Allele origin: germline. Affected: yes.
Comment: Not observed at significant frequency in large population cohorts (gnomAD); In silico analysis supports that this missense variant does not alter protein structure/function; Has not been previously published as pathogenic or benign to our knowledge